The following is an entry in ClinVar:

ClinVar aggregate classification (germline): Uncertain significance. Review status: criteria provided, multiple submitters, no conflicts (2 of 4 stars). 2 submissions from 2 submitters: Uncertain significance (2). Last evaluated 2025-04-13.

Conditions:
Arrhythmogenic right ventricular cardiomyopathy (ARVD). Also called: Arrhythmogenic right ventricular dysplasia; Cardiomyopathy, ARVC; Arrhythmogenic cardiomyopathy; Arrhythmogenic Right Ventricular Cardiomyopathy (ARVC). Identifiers: Orphanet 247, MedGen C0349788, MeSH D019571, MONDO:0016587. Disease mechanism: loss of function. Inheritance: Various modes of inheritance.
Cardiovascular phenotype. Identifiers: MedGen CN230736.

Allele frequency attached by ClinVar (database versions not stated): gnomAD exomes below 0.00001; TOPMed below 0.00001.
gnomAD v4.1: 3 of 1,613,810 alleles (0.00019%); highest among the groups gnomAD compares: Non-Finnish European, 0.00025%; no homozygotes.

Submissions (2):

Ambry Genetics
Classification: Uncertain significance for Cardiovascular phenotype. Last evaluated: 2025-04-13. Review status: criteria provided, single submitter. Criteria: Ambry Variant Classification Scheme 2023. Collection method: clinical testing. Allele origin: germline.
Comment: The p.V668M variant (also known as c.2002G>A) is located in coding exon 14 of the DSG2 gene. The valine at codon 668 is replaced by methionine, an amino acid with highly similar properties. This change occurs in the first base pair of coding exon 14. This amino acid position is conserved. In addition, this alteration is predicted to be tolerated by in silico analysis. Based on the available evidence, the clinical significance of this variant remains unclear.

All of Us Research Program, National Institutes of Health
Classification: Uncertain significance for Arrhythmogenic right ventricular cardiomyopathy. Last evaluated: 2023-12-13. Review status: criteria provided, single submitter. Criteria: ACMG Guidelines, 2015. Collection method: clinical testing. Allele origin: germline. Inheritance: Autosomal dominant inheritance. Observed: 2 variant alleles, 2 heterozygotes.
Comment: This missense variant replaces valine with methionine at codon 668 of the DSG2 protein. Computational prediction suggests that this variant may not impact protein structure and function (internally defined REVEL score threshold <= 0.5, PMID: 27666373). To our knowledge, functional studies have not been reported for this variant. This variant has not been reported in individuals affected with DSG2-related disorders in the literature. This variant has not been identified in the general population by the Genome Aggregation Database (gnomAD). The available evidence is insufficient to determine the role of this variant in disease conclusively. Therefore, this variant is classified as a Variant of Uncertain Significance.

This study involves interpretation of variants in research participants for the purpose of population health screening. Participant phenotype was not available at the time of variant classification. Additional details can be found in publication PMID: 35346344, PMCID: PMC8962531

NM_001943.5(DSG2):c.2002G>A (p.Val668Met)

Genes: DSG2 (desmoglein 2; plus strand), DSG2-AS1 (DSG2 antisense RNA 1; minus strand). Cytogenetic location: 18q12.1.
Variant type: single nucleotide variant.
Coding change: c.2002G>A on transcript NM_001943.5 (MANE Select); coding-DNA position 2002, G replaced by A.
Protein change: p.Val668Met; replaces valine 668 with methionine.
Molecular consequence: missense variant.
Genome position (GRCh38, 1-based): chr18:31,542,520, G>A. VCF-style: chr18-31542520-G-A. GRCh37 (hg19) VCF-style: chr18-29122483-G-A.
Other names: short protein forms V668M.
Identifiers: ClinVar variation 3069682 (VCV003069682.2), dbSNP rs941953830, ClinGen allele CA297700072.